The following is an entry in ClinVar:

ClinVar aggregate classification (germline): Uncertain significance (1 of 4 stars; one submission).

Conditions:
Neurofibromatosis, type 1 (NF1). Also called: Neurofibromatosis, type I; VON RECKLINGHAUSEN DISEASE; NEUROFIBROMATOSIS, TYPE I, SOMATIC; Peripheral type neurofibromatosis. Identifiers: Orphanet 636, MedGen C0027831, MONDO:0018975, OMIM 162200. Disease mechanism: loss of function.

Allele frequency attached by ClinVar (database versions not stated): gnomAD exomes below 0.00001; TOPMed 0.00002.
gnomAD v4.1: 3 of 1,613,936 alleles (0.00019%); highest among the groups gnomAD compares: Non-Finnish European, 0.00025%; no homozygotes.

Submission:

Labcorp Genetics (formerly Invitae), Labcorp
Classification: Uncertain significance for Neurofibromatosis, type 1. Last evaluated: 2022-07-31. Review status: criteria provided, single submitter. Criteria: Invitae Variant Classification Sherloc (09022015). Collection method: clinical testing. Allele origin: germline.
Comment: In summary, the available evidence is currently insufficient to determine the role of this variant in disease. Therefore, it has been classified as a Variant of Uncertain Significance. Algorithms developed to predict the effect of missense changes on protein structure and function are either unavailable or do not agree on the potential impact of this missense change (SIFT: "Deleterious"; PolyPhen-2: "Probably Damaging"; Align-GVGD: "Class C0"). This variant has not been reported in the literature in individuals affected with NF1-related conditions. This variant is not present in population databases (gnomAD no frequency). This sequence change replaces valine, which is neutral and non-polar, with isoleucine, which is neutral and non-polar, at codon 2575 of the NF1 protein (p.Val2575Ile).

NM_001042492.3(NF1):c.7786G>A (p.Val2596Ile)

Gene: NF1 (neurofibromin 1; plus strand). Cytogenetic location: 17q11.2.
Variant type: single nucleotide variant.
Coding change: c.7786G>A on transcript NM_001042492.3 (MANE Select); coding-DNA position 7786, G replaced by A.
Protein change: p.Val2596Ile; replaces valine 2596 with isoleucine.
Molecular consequence: missense variant.
Genome position (GRCh38, 1-based): chr17:31,357,007, G>A. VCF-style: chr17-31357007-G-A. GRCh37 (hg19) VCF-style: chr17-29684025-G-A.
Other names: c.7723G>A, p.Val2575Ile (NM_000267.4); short protein forms V2575I, V2596I.
Identifiers: ClinVar variation 2154593 (VCV002154593.4), dbSNP rs926812218, ClinGen allele CA289407568.
Genomic context (GRCh38, chr17:31,357,007, plus strand): 5'-TATCTTGCTGCAGAAACTCAGAGGATTTCCTCATCACAACAGCACCCACATTTACGTAAA[G>A]TTTCAGTGTCTGAATCAAATGTTCTCTTGGATGAAGAAGTACTTACTGATCCGAAGATCC-3'
Protein context (NP_001035957.1, residues 2586-2606): SSQQHPHLRK[Val2596Ile]SVSESNVLLD